The following is an entry in ClinVar:

ClinVar aggregate classification (germline): Uncertain significance (1 of 4 stars; one submission).

Conditions:
Familial thoracic aortic aneurysm and aortic dissection (TAAD). Also called: Thoracic aortic aneurysms and dissections. Identifiers: Orphanet 91387, MedGen C4707243, MONDO:0019625.
Hereditary cancer-predisposing syndrome. Also called: Neoplastic Syndromes, Hereditary; Tumor predisposition; Hereditary Cancer Syndrome; Hereditary neoplastic syndrome. Identifiers: Orphanet 140162, MedGen C0027672, MeSH D009386, MONDO:0015356.

Submission:

Ambry Genetics
Classification: Uncertain significance for Hereditary cancer-predisposing syndrome; Familial thoracic aortic aneurysm and aortic dissection. Last evaluated: 2020-06-10. Review status: criteria provided, single submitter. Criteria: Ambry Variant Classification Scheme 2023. Collection method: clinical testing. Allele origin: germline.
Comment: The p.H26R variant (also known as c.77A>G), located in coding exon 1 of the SMAD4 gene, results from an A to G substitution at nucleotide position 77. The histidine at codon 26 is replaced by arginine, an amino acid with highly similar properties. This amino acid position is highly conserved in available vertebrate species. In addition, the in silico prediction for this alteration is inconclusive. Since supporting evidence is limited at this time, the clinical significance of this alteration remains unclear.

NM_005359.6(SMAD4):c.77A>G (p.His26Arg)

Gene: SMAD4 (SMAD family member 4; plus strand). Cytogenetic location: 18q21.2.
Variant type: single nucleotide variant.
Coding change: c.77A>G on transcript NM_005359.6 (MANE Select); coding-DNA position 77, A replaced by G.
Protein change: p.His26Arg; replaces histidine 26 with arginine.
Molecular consequence: missense variant.
Genome position (GRCh38, 1-based): chr18:51,047,123, A>G. VCF-style: chr18-51047123-A-G. GRCh37 (hg19) VCF-style: chr18-48573493-A-G.
Other names: c.77A>G, p.His26Arg (NM_001407041.1, NM_001407042.1, NM_001407043.1); short protein forms H26R.
Identifiers: ClinVar variation 1760676 (VCV001760676.2), dbSNP rs2144400741, ClinGen allele CA402457523.